The following is an entry in ClinVar:

NM_001194998.2(CEP152):c.940C>T (p.Gln314Ter)

Gene: CEP152 (centrosomal protein 152; minus strand). Cytogenetic location: 15q21.1.
Variant type: single nucleotide variant.
Coding change: c.940C>T on transcript NM_001194998.2 (MANE Select); coding-DNA position 940, C replaced by T.
Protein change: p.Gln314Ter; replaces glutamine 314 with a stop codon.
Molecular consequence: nonsense.
Genome position (GRCh38, 1-based): chr15:48,791,269, G>A on the plus strand (C>T on the coding strand, the complement: CEP152 is on the minus strand). VCF-style: chr15-48791269-G-A. GRCh37 (hg19) VCF-style: chr15-49083466-G-A.
Other names: c.940C>T, p.Gln314Ter (NM_014985.4); short protein forms Q314*.
Identifiers: ClinVar variation 2717956 (VCV002717956.3), dbSNP rs2504879322, ClinGen allele CA392355966.

ClinVar aggregate classification (germline): Pathogenic (1 of 4 stars; one submission).

Submission:

Labcorp Genetics (formerly Invitae), Labcorp
Classification: Pathogenic. Last evaluated: 2023-08-16. Review status: criteria provided, single submitter. Criteria: Invitae Variant Classification Sherloc (09022015). Collection method: clinical testing. Allele origin: germline.
Comment: For these reasons, this variant has been classified as Pathogenic. This variant has not been reported in the literature in individuals affected with CEP152-related conditions. This variant is not present in population databases (gnomAD no frequency). This sequence change creates a premature translational stop signal (p.Gln314*) in the CEP152 gene. It is expected to result in an absent or disrupted protein product. Loss-of-function variants in CEP152 are known to be pathogenic (PMID: 21131973).

Literature cited by the submitters: PubMed 21131973.